The following is an entry in ClinVar:

NM_001003694.2(BRPF1):c.2521G>A (p.Glu841Lys)

Gene: BRPF1 (bromodomain and PHD finger containing 1; plus strand). Cytogenetic location: 3p25.3.
Variant type: single nucleotide variant.
Coding change: c.2521G>A on transcript NM_001003694.2 (MANE Select); coding-DNA position 2521, G replaced by A.
Protein change: p.Glu841Lys; replaces glutamic acid 841 with lysine.
Molecular consequence: missense variant. On other transcripts: non-coding transcript variant (1).
Genome position (GRCh38, 1-based): chr3:9,743,787, G>A. VCF-style: chr3-9743787-G-A. GRCh37 (hg19) VCF-style: chr3-9785471-G-A.
Other names: c.2503G>A, p.Glu835Lys (NM_001319049.2, NM_004634.3); c.2500G>A, p.Glu834Lys (NM_001319050.2); c.2518G>A, p.Glu840Lys (NM_001410704.1); short protein forms E834K, E835K, E840K, E841K.
Identifiers: ClinVar variation 2576727 (VCV002576727.1), dbSNP rs2077073614, ClinGen allele CA351697905.

ClinVar aggregate classification (germline): Uncertain significance (1 of 4 stars; one submission).

Allele frequency attached by ClinVar (database versions not stated): gnomAD exomes below 0.00001; gnomAD 0.00001.
gnomAD v4.1: 3 of 1,613,906 alleles (0.00019%); highest among the groups gnomAD compares: South Asian, 0.0022%; no homozygotes.

Submission:

GeneDx
Classification: Uncertain significance. Last evaluated: 2023-02-21. Review status: criteria provided, single submitter. Criteria: GeneDx Variant Classification Process June 2021. Collection method: clinical testing. Allele origin: germline. Affected: yes.
Comment: Not observed at significant frequency in large population cohorts (gnomAD); In silico analysis supports that this missense variant does not alter protein structure/function; Has not been previously published as pathogenic or benign to our knowledge